The following is an entry in ClinVar:

ClinVar aggregate classification (germline): Uncertain significance. Review status: criteria provided, multiple submitters, no conflicts (2 of 4 stars). 3 submissions from 3 submitters: Uncertain significance (3). Last evaluated 2025-08-26.

Conditions:
MAGEL2-related disorder. Also called: MAGEL2-related condition.
Inborn genetic diseases. Identifiers: MedGen C0950123, MeSH D030342.

Submissions (3):

Ambry Genetics
Classification: Uncertain significance for Inborn genetic diseases. Last evaluated: 2025-08-26. Review status: criteria provided, single submitter. Criteria: Ambry Variant Classification Scheme 2023. Collection method: clinical testing. Allele origin: germline.

PreventionGenetics, part of Exact Sciences
Classification: Uncertain significance for MAGEL2-related condition. Last evaluated: 2025-06-13. Review status: criteria provided, single submitter. Criteria: ACMG Guidelines, 2015. Collection method: clinical testing. Allele origin: germline.
Comment: The MAGEL2 c.2624C>G variant is predicted to result in the amino acid substitution p.Ser875Cys. To our knowledge, this variant has not been reported in the literature. This variant is reported in 0.012% of alleles in individuals of Latino descent in gnomAD. At this time, the clinical significance of this variant is uncertain due to the absence of conclusive functional and genetic evidence.

Labcorp Genetics (formerly Invitae), Labcorp
Classification: Uncertain significance. Last evaluated: 2025-04-14. Review status: criteria provided, single submitter. Criteria: Invitae Variant Classification Sherloc (09022015). Collection method: clinical testing. Allele origin: germline.
Comment: This sequence change replaces serine, which is neutral and polar, with cysteine, which is neutral and slightly polar, at codon 875 of the MAGEL2 protein (p.Ser875Cys). This variant is present in population databases (rs747815734, gnomAD 0.01%). This variant has not been reported in the literature in individuals affected with MAGEL2-related conditions. Invitae Evidence Modeling of protein sequence and biophysical properties (such as structural, functional, and spatial information, amino acid conservation, physicochemical variation, residue mobility, and thermodynamic stability) indicates that this missense variant is not expected to disrupt MAGEL2 protein function with a negative predictive value of 80%. In summary, the available evidence is currently insufficient to determine the role of this variant in disease. Therefore, it has been classified as a Variant of Uncertain Significance.

NM_019066.5(MAGEL2):c.2624C>G (p.Ser875Cys)

Gene: MAGEL2 (MAGE family member L2; minus strand). Cytogenetic location: 15q11.2.
Variant type: single nucleotide variant.
Coding change: c.2624C>G on transcript NM_019066.5 (MANE Select); coding-DNA position 2624, C replaced by G.
Protein change: p.Ser875Cys; replaces serine 875 with cysteine.
Molecular consequence: missense variant.
Genome position (GRCh38, 1-based): chr15:23,645,119, G>C on the plus strand (C>G on the coding strand, the complement: MAGEL2 is on the minus strand). VCF-style: chr15-23645119-G-C. GRCh37 (hg19) VCF-style: chr15-23890266-G-C.
Other names: short protein forms S875C.
Identifiers: ClinVar variation 4102415 (VCV004102415.3).
Genomic context (GRCh38, chr15:23,645,119, plus strand): 5'-TGGGCTTCCAGATGCTTCTTCTTCCGGGTGGCCTTGCCGGAGCGGCGTGGCGGCTCGACG[G>C]AGGTCTTGGAGGCCTCTTGAGTGGTGGCAGTTGCCTGGGGGGCAGCTGCTGTAGCCATCA-3'
Protein context (NP_061939.3, residues 865-885): TATTQEASKT[Ser875Cys]VEPPRRSGKA